The following is an entry in ClinVar:

NM_000535.7(PMS2):c.1580G>C (p.Arg527Thr)

Gene: PMS2 (PMS1 homolog 2, mismatch repair system component; minus strand). Cytogenetic location: 7p22.1.
Variant type: single nucleotide variant.
Coding change: c.1580G>C on transcript NM_000535.7 (MANE Select); coding-DNA position 1580, G replaced by C.
Protein change: p.Arg527Thr; replaces arginine 527 with threonine.
Molecular consequence: missense variant. On other transcripts: non-coding transcript variant (1).
Genome position (GRCh38, 1-based): chr7:5,987,185, C>G on the plus strand (G>C on the coding strand, the complement: PMS2 is on the minus strand). VCF-style: chr7-5987185-C-G. GRCh37 (hg19) VCF-style: chr7-6026816-C-G.
Other names: c.1175G>C, p.Arg392Thr (NM_001322003.2, NM_001322004.2, NM_001322005.2 and 1 more transcripts); c.1424G>C, p.Arg475Thr (NM_001322006.2); c.1262G>C, p.Arg421Thr (NM_001322007.2, NM_001322008.2); c.1019G>C, p.Arg340Thr (NM_001322010.2); c.647G>C, p.Arg216Thr (NM_001322011.2, NM_001322012.2); c.1007G>C, p.Arg336Thr (NM_001322013.2); c.1580G>C, p.Arg527Thr (NM_001322014.2); c.1271G>C, p.Arg424Thr (NM_001322015.2); short protein forms R216T, R527T, R336T, R424T, R340T, R392T, R475T, R421T.
Identifiers: ClinVar variation 1043417 (VCV001043417.8), dbSNP rs1783042729, ClinGen allele CA366741552.
Genomic context (GRCh38, chr7:5,987,185, plus strand): 5'-GAAAAAGAGTCGTCAGTTTTAGGCGCTTTCTCCTGAGAGTCCACATGTTCCTGCGAGCCC[C>G]TGTCCCCTGGGGAGCTGGCCGCATACTCGCTGCTGCAGTGACTGCCCGTGTCTGGGATGC-3'
Protein context (NP_000526.2, residues 517-537): SEYAASSPGD[Arg527Thr]GSQEHVDSQE

ClinVar aggregate classification (germline): Uncertain significance (1 of 4 stars; one submission).

Conditions:
Hereditary nonpolyposis colorectal neoplasms. Identifiers: MedGen C0009405, MeSH D003123.

Submission:

Labcorp Genetics (formerly Invitae), Labcorp
Classification: Uncertain significance for Hereditary nonpolyposis colorectal neoplasms. Last evaluated: 2020-06-18. Review status: criteria provided, single submitter. Criteria: Invitae Variant Classification Sherloc (09022015). Collection method: clinical testing. Allele origin: germline.
Comment: In summary, the available evidence is currently insufficient to determine the role of this variant in disease. Therefore, it has been classified as a Variant of Uncertain Significance. Algorithms developed to predict the effect of missense changes on protein structure and function output the following: SIFT: "Tolerated"; PolyPhen-2: "Benign"; Align-GVGD: "Class C0". The threonine amino acid residue is found in multiple mammalian species, suggesting that this missense change does not adversely affect protein function. These predictions have not been confirmed by published functional studies and their clinical significance is uncertain. This variant has not been reported in the literature in individuals with PMS2-related conditions. This variant is not present in population databases (ExAC no frequency). This sequence change replaces arginine with threonine at codon 527 of the PMS2 protein (p.Arg527Thr). The arginine residue is weakly conserved and there is a moderate physicochemical difference between arginine and threonine.